The following is an entry in ClinVar:

ClinVar aggregate classification (germline): Likely benign (1 of 4 stars; one submission).

Allele frequency attached by ClinVar (database versions not stated): TOPMed 0.00001; gnomAD exomes 0.00002.
gnomAD v4.1: 24 of 1,614,144 alleles (0.0015%); highest among the groups gnomAD compares: Non-Finnish European, 0.0019%; no homozygotes.

Submission:

CeGaT Center for Human Genetics Tuebingen
Classification: Likely benign. Last evaluated: 2022-04-01. Review status: criteria provided, single submitter. Criteria: CeGaT Center For Human Genetics Tuebingen Variant Classification Criteria Version 2. Collection method: clinical testing. Allele origin: germline. Affected: yes. Observed: 1 variant allele.
Comment: RNF213: BP4, BP7

NM_001256071.3(RNF213):c.11901G>A (p.Thr3967=)

Genes: RNF213 (ring finger protein 213; plus strand), RNF213-AS1 (RNF213 antisense RNA 1; minus strand). Cytogenetic location: 17q25.3.
Variant type: single nucleotide variant.
Coding change: c.11901G>A on transcript NM_001256071.3 (MANE Select); coding-DNA position 11901, G replaced by A.
Protein change: p.Thr3967=; no amino-acid change (threonine 3967 retained).
Molecular consequence: synonymous variant.
Genome position (GRCh38, 1-based): chr17:80,367,777, G>A. VCF-style: chr17-80367777-G-A. GRCh37 (hg19) VCF-style: chr17-78341577-G-A.
Other names: c.12048G>A, p.Thr4016= (NM_001410195.1, NM_020914.5).
Identifiers: ClinVar variation 2648425 (VCV002648425.24), dbSNP rs1439749353, ClinGen allele CA502210457.